The following is an entry in ClinVar:

ClinVar aggregate classification (germline): Uncertain significance. Review status: criteria provided, multiple submitters, no conflicts (2 of 4 stars). 2 submissions from 2 submitters: Uncertain significance (2). Last evaluated 2025-08-06.

Conditions:
Hypertrophic cardiomyopathy. Also called: HYPERTROPHIC MYOCARDIOPATHY. Identifiers: Orphanet 217569, MedGen C0007194, MeSH D002312, MONDO:0005045, HP:0001639.

Allele frequency attached by ClinVar (database versions not stated): gnomAD 0.00001; gnomAD exomes 0.00001; TOPMed 0.00001; ESP Exome Variant Server 0.00008; ExAC 0.00011.
gnomAD v4.1: 23 of 1,613,328 alleles (0.0014%); highest among the groups gnomAD compares: Admixed American, 0.03%; no homozygotes.

Submissions (2):

Labcorp Genetics (formerly Invitae), Labcorp
Classification: Uncertain significance for Hypertrophic cardiomyopathy. Last evaluated: 2025-08-06. Review status: criteria provided, single submitter. Criteria: Invitae Variant Classification Sherloc (09022015). Collection method: clinical testing. Allele origin: germline.
Comment: This sequence change replaces arginine, which is basic and polar, with cysteine, which is neutral and slightly polar, at codon 380 of the MYOM1 protein (p.Arg380Cys). This variant is present in population databases (rs373995718, gnomAD 0.04%). This variant has not been reported in the literature in individuals affected with MYOM1-related conditions. ClinVar contains an entry for this variant (Variation ID: 1730325). Invitae Evidence Modeling of protein sequence and biophysical properties (such as structural, functional, and spatial information, amino acid conservation, physicochemical variation, residue mobility, and thermodynamic stability) indicates that this missense variant is not expected to disrupt MYOM1 protein function with a negative predictive value of 80%. In summary, the available evidence is currently insufficient to determine the role of this variant in disease. Therefore, it has been classified as a Variant of Uncertain Significance.

Ambry Genetics
Classification: Uncertain significance. Last evaluated: 2022-06-19. Review status: criteria provided, single submitter. Criteria: Ambry Variant Classification Scheme 2023. Collection method: clinical testing. Allele origin: germline.
Comment: The p.R380C variant (also known as c.1138C>T), located in coding exon 7 of the MYOM1 gene, results from a C to T substitution at nucleotide position 1138. The arginine at codon 380 is replaced by cysteine, an amino acid with highly dissimilar properties. This amino acid position is conserved. In addition, this alteration is predicted to be tolerated by in silico analysis. Since supporting evidence is limited at this time, the clinical significance of this alteration remains unclear.

NM_003803.4(MYOM1):c.1138C>T (p.Arg380Cys)

Gene: MYOM1 (myomesin 1; minus strand). Cytogenetic location: 18p11.31.
Variant type: single nucleotide variant.
Coding change: c.1138C>T on transcript NM_003803.4 (MANE Select); coding-DNA position 1138, C replaced by T.
Protein change: p.Arg380Cys; replaces arginine 380 with cysteine.
Molecular consequence: missense variant.
Genome position (GRCh38, 1-based): chr18:3,173,974, G>A on the plus strand (C>T on the coding strand, the complement: MYOM1 is on the minus strand). VCF-style: chr18-3173974-G-A. GRCh37 (hg19) VCF-style: chr18-3173972-G-A.
Other names: c.1138C>T, p.Arg380Cys (NM_019856.2); short protein forms R380C.
Identifiers: ClinVar variation 1730325 (VCV001730325.7), dbSNP rs373995718, ClinGen allele CA8875039.